The following is an entry in ClinVar:

ClinVar aggregate classification (germline): Uncertain significance. Review status: criteria provided, multiple submitters, no conflicts (2 of 4 stars). 3 submissions from 3 submitters: Uncertain significance (3). Last evaluated 2026-08-04.

Conditions:
UCP3-related disorder. Also called: UCP3-related condition.

Allele frequency attached by ClinVar (database versions not stated): gnomAD exomes 0.00002; ExAC 0.00015; TOPMed 0.00032; gnomAD 0.00036; 1000 Genomes Project 0.00040; 1000 Genomes Project 30x 0.00062; ESP Exome Variant Server 0.00062.
gnomAD v4.1: 92 of 1,614,194 alleles (0.0057%); highest among the groups gnomAD compares: African/African-American, 0.1%; no homozygotes.

Submissions (3):

PreventionGenetics, part of Exact Sciences
Classification: Uncertain significance for UCP3-related condition. Last evaluated: 2026-08-04. Review status: criteria provided, single submitter. Criteria: ACMG Guidelines, 2015. Collection method: clinical testing. Allele origin: germline.
Comment: The UCP3 c.428G>A variant is predicted to result in the amino acid substitution p.Arg143Gln. To our knowledge, this variant has not been reported in the literature. This variant is reported in 0.11% of alleles in individuals of African descent in gnomAD. Although we suspect that this variant may be benign, at this time, the clinical significance of this variant is uncertain due to the absence of conclusive functional and genetic evidence.

Ambry Genetics
Classification: Uncertain significance. Last evaluated: 2025-08-08. Review status: criteria provided, single submitter. Criteria: Ambry Variant Classification Scheme 2023. Collection method: clinical testing. Allele origin: germline.

Labcorp Genetics (formerly Invitae), Labcorp
Classification: Uncertain significance. Last evaluated: 2025-04-19. Review status: criteria provided, single submitter. Criteria: Invitae Variant Classification Sherloc (09022015). Collection method: clinical testing. Allele origin: germline.
Comment: This sequence change replaces arginine, which is basic and polar, with glutamine, which is neutral and polar, at codon 143 of the UCP3 protein (p.Arg143Gln). This variant is present in population databases (rs146814014, gnomAD 0.1%), and has an allele count higher than expected for a pathogenic variant. This variant has not been reported in the literature in individuals affected with UCP3-related conditions. ClinVar contains an entry for this variant (Variation ID: 2634216). Invitae Evidence Modeling of protein sequence and biophysical properties (such as structural, functional, and spatial information, amino acid conservation, physicochemical variation, residue mobility, and thermodynamic stability) has been performed for this missense variant. However, the output from this modeling did not meet the statistical confidence thresholds required to predict the impact of this variant on UCP3 protein function. In summary, the available evidence is currently insufficient to determine the role of this variant in disease. Therefore, it has been classified as a Variant of Uncertain Significance.

NM_003356.4(UCP3):c.428G>A (p.Arg143Gln)

Gene: UCP3 (uncoupling protein 3; minus strand). Cytogenetic location: 11q13.4.
Variant type: single nucleotide variant.
Coding change: c.428G>A on transcript NM_003356.4 (MANE Select); coding-DNA position 428, G replaced by A.
Protein change: p.Arg143Gln; replaces arginine 143 with glutamine.
Molecular consequence: missense variant.
Genome position (GRCh38, 1-based): chr11:74,005,843, C>T on the plus strand (G>A on the coding strand, the complement: UCP3 is on the minus strand). VCF-style: chr11-74005843-C-T. GRCh37 (hg19) VCF-style: chr11-73716888-C-T.
Other names: c.428G>A, p.Arg143Gln (NM_022803.3); short protein forms R143Q.
Identifiers: ClinVar variation 2634216 (VCV002634216.6), dbSNP rs146814014, ClinGen allele CA6181487.